The following is an entry in ClinVar:

NM_004357.5(CD151):c.245C>T (p.Thr82Ile)

Gene: CD151 (CD151 molecule (Raph blood group); plus strand). Cytogenetic location: 11p15.5.
Variant type: single nucleotide variant.
Coding change: c.245C>T on transcript NM_004357.5 (MANE Select); coding-DNA position 245, C replaced by T.
Protein change: p.Thr82Ile; replaces threonine 82 with isoleucine.
Molecular consequence: missense variant.
Genome position (GRCh38, 1-based): chr11:836,411, C>T. VCF-style: chr11-836411-C-T. GRCh37 (hg19) VCF-style: chr11-836411-C-T.
Other names: c.245C>T, p.Thr82Ile (NM_001039490.2, NM_139029.2, NM_139030.4); short protein forms T82I.
Identifiers: ClinVar variation 4701594 (VCV004701594.1).

ClinVar aggregate classification (germline): Uncertain significance (1 of 4 stars; one submission).

Submission:

Labcorp Genetics (formerly Invitae), Labcorp
Classification: Uncertain significance. Last evaluated: 2025-02-06. Review status: criteria provided, single submitter. Criteria: Invitae Variant Classification Sherloc (09022015). Collection method: clinical testing. Allele origin: germline.
Comment: This sequence change replaces threonine, which is neutral and polar, with isoleucine, which is neutral and non-polar, at codon 82 of the CD151 protein (p.Thr82Ile). This variant is present in population databases (rs748770542, gnomAD 0.003%). This variant has not been reported in the literature in individuals affected with CD151-related conditions. An algorithm developed to predict the effect of missense changes on protein structure and function (PolyPhen-2) suggests that this variant is likely to be tolerated. In summary, the available evidence is currently insufficient to determine the role of this variant in disease. Therefore, it has been classified as a Variant of Uncertain Significance.